The following is an entry in ClinVar:

NM_004612.4(TGFBR1):c.344-13G>A

Gene: TGFBR1 (transforming growth factor beta receptor 1; plus strand). Cytogenetic location: 9q22.33.
Variant type: single nucleotide variant.
Coding change: c.344-13G>A on transcript NM_004612.4 (MANE Select); 13 bases into the intron before coding-DNA position 344, G replaced by A.
Molecular consequence: intron variant. On other transcripts: splice acceptor variant (6).
Genome position (GRCh38, 1-based): chr9:99,132,496, G>A. VCF-style: chr9-99132496-G-A. GRCh37 (hg19) VCF-style: chr9-101894778-G-A.
Other names: c.137-1G>A (NM_001407418.1, NM_001407419.1, NM_001407422.1 and 1 more transcripts); c.137-13G>A (NM_001407423.1, NM_001407424.1, NM_001407425.1 and 8 more transcripts); c.344-1G>A (NM_001306210.2, NM_001407416.1); c.344-13G>A (NM_001407417.1, NM_001407435.1); c.343+3396G>A (NM_001130916.3); c.98-13G>A (NM_001407436.1); c.98-5363G>A (NM_001407438.1); c.98-10040G>A (NM_001407437.1).
Identifiers: ClinVar variation 1332148 (VCV001332148.11), dbSNP rs1300742771, ClinGen allele CA374227636.

ClinVar aggregate classification (germline): Uncertain significance. Review status: criteria provided, multiple submitters, no conflicts (2 of 4 stars). 3 submissions from 3 submitters: Uncertain significance (3). Last evaluated 2024-03-05.

Conditions:
Familial thoracic aortic aneurysm and aortic dissection (TAAD). Also called: Thoracic aortic aneurysms and dissections. Identifiers: Orphanet 91387, MedGen C4707243, MONDO:0019625.

Submissions (3):

Blueprint Genetics
Classification: Uncertain significance. Last evaluated: 2024-03-05. Review status: criteria provided, single submitter. Criteria: ACMG Guidelines, 2015. Collection method: clinical testing. Allele origin: germline.

Labcorp Genetics (formerly Invitae), Labcorp
Classification: Uncertain significance for Familial thoracic aortic aneurysm and aortic dissection. Last evaluated: 2022-07-19. Review status: criteria provided, single submitter. Criteria: Invitae Variant Classification Sherloc (09022015). Collection method: clinical testing. Allele origin: germline.
Comment: In summary, the available evidence is currently insufficient to determine the role of this variant in disease. Therefore, it has been classified as a Variant of Uncertain Significance. Algorithms developed to predict the effect of sequence changes on RNA splicing suggest that this variant may disrupt the consensus splice site. ClinVar contains an entry for this variant (Variation ID: 1332148). This variant has not been reported in the literature in individuals affected with TGFBR1-related conditions. This variant is not present in population databases (gnomAD no frequency). This sequence change falls in intron 2 of the TGFBR1 gene. It does not directly change the encoded amino acid sequence of the TGFBR1 protein.

Color Diagnostics, LLC DBA Color Health
Classification: Uncertain significance for Familial thoracic aortic aneurysm and aortic dissection. Last evaluated: 2021-03-16. Review status: criteria provided, single submitter. Criteria: ACMG Guidelines, 2015. Collection method: clinical testing. Allele origin: germline.
Comment: This variant causes a G to A nucleotide substitution at the -13 position of intron 2 of the TGFBR1 gene. Splice prediction tools and conservation analysis are inconclusive regarding the impact of this variant on RNA splicing. To our knowledge, functional studies have not been reported for this variant. This variant has not been reported in individuals affected with cardiovascular disorders in the literature. This variant has not been identified in the general population by the Genome Aggregation Database (gnomAD). The available evidence is insufficient to determine the role of this variant in disease conclusively. Therefore, this variant is classified as a Variant of Uncertain Significance.